The following is an entry in ClinVar:

ClinVar aggregate classification (germline): Uncertain significance (1 of 4 stars; one submission).

Allele frequency attached by ClinVar (database versions not stated): gnomAD exomes below 0.00001 and 0.00001; ExAC 0.00001; TOPMed 0.00003.
gnomAD v4.1: 1 of 1,612,342 alleles (0.000062%); highest among the groups gnomAD compares: East Asian, 0.0022%; no homozygotes.

Submission:

Labcorp Genetics (formerly Invitae), Labcorp
Classification: Uncertain significance. Last evaluated: 2022-11-01. Review status: criteria provided, single submitter. Criteria: Invitae Variant Classification Sherloc (09022015). Collection method: clinical testing. Allele origin: germline.
Comment: This sequence change replaces serine, which is neutral and polar, with threonine, which is neutral and polar, at codon 82 of the BMP1 protein (p.Ser82Thr). This variant is present in population databases (rs776722785, gnomAD 0.02%). This variant has not been reported in the literature in individuals affected with BMP1-related conditions. ClinVar contains an entry for this variant (Variation ID: 1461753). Advanced modeling of protein sequence and biophysical properties (such as structural, functional, and spatial information, amino acid conservation, physicochemical variation, residue mobility, and thermodynamic stability) performed at Invitae indicates that this missense variant is not expected to disrupt BMP1 protein function. Algorithms developed to predict the effect of sequence changes on RNA splicing suggest that this variant may disrupt the consensus splice site. In summary, the available evidence is currently insufficient to determine the role of this variant in disease. Therefore, it has been classified as a Variant of Uncertain Significance.

NM_006129.5(BMP1):c.244T>A (p.Ser82Thr)

Gene: BMP1 (bone morphogenetic protein 1; plus strand). Cytogenetic location: 8p21.3.
Variant type: single nucleotide variant.
Coding change: c.244T>A on transcript NM_006129.5 (MANE Select); coding-DNA position 244, T replaced by A.
Protein change: p.Ser82Thr; replaces serine 82 with threonine.
Molecular consequence: missense variant. On other transcripts: non-coding transcript variant (2).
Genome position (GRCh38, 1-based): chr8:22,173,697, T>A. VCF-style: chr8-22173697-T-A. GRCh37 (hg19) VCF-style: chr8-22031210-T-A.
Other names: c.244T>A, p.Ser82Thr (NM_001199.4); short protein forms S82T.
Identifiers: ClinVar variation 1461753 (VCV001461753.3), dbSNP rs776722785, ClinGen allele CA4664199.